The following is an entry in ClinVar:

NM_007294.4(BRCA1):c.5368T>C (p.Ser1790Pro)

Gene: BRCA1 (BRCA1 DNA repair associated; minus strand). Cytogenetic location: 17q21.31.
Variant type: single nucleotide variant.
Coding change: c.5368T>C on transcript NM_007294.4 (MANE Select); coding-DNA position 5368, T replaced by C.
Protein change: p.Ser1790Pro; replaces serine 1790 with proline.
Molecular consequence: missense variant. On other transcripts: non-coding transcript variant (1), intron variant (1).
Genome position (GRCh38, 1-based): chr17:43,049,159, A>G on the plus strand (T>C on the coding strand, the complement: BRCA1 is on the minus strand). VCF-style: chr17-43049159-A-G. GRCh37 (hg19) VCF-style: chr17-41201176-A-G.
Other names: c.5155T>C, p.Ser1719Pro (NM_001407571.1, NM_001407894.1, NM_001407908.1 and 12 more transcripts); c.5434T>C, p.Ser1812Pro (NM_001407581.1, NM_001407582.1); c.5431T>C, p.Ser1811Pro (NM_001407583.1, NM_001407585.1, NM_001407587.1 and 1 more transcripts); c.5428T>C, p.Ser1810Pro (NM_001407590.1, NM_001407591.1); c.5368T>C, p.Ser1790Pro (NM_001407593.1, NM_001407594.1, NM_001407596.1 and 5 more transcripts); c.5365T>C, p.Ser1789Pro (NM_001407610.1, NM_001407611.1, NM_001407612.1 and 14 more transcripts); c.5362T>C, p.Ser1788Pro (NM_001407628.1, NM_001407629.1, NM_001407630.1 and 13 more transcripts); c.5311T>C, p.Ser1771Pro (NM_001407648.1); and 73 more; short protein forms S1790P, S1811P, S686P, S1743P, S1493P, S1636P, S1679P, S1701P.
Identifiers: ClinVar variation 630815 (VCV000630815.18), dbSNP rs1567758993, ClinGen allele CA10590733.

ClinVar aggregate classification (germline): Uncertain significance. Review status: criteria provided, multiple submitters, no conflicts (2 of 4 stars). 3 submissions from 3 submitters: Uncertain significance (3). Last evaluated 2021-07-21.

Conditions:
Hereditary breast ovarian cancer syndrome. Also called: Hereditary breast and ovarian cancer syndrome (HBOC); Hereditary breast and ovarian cancer; BRCA1- and BRCA2-Associated Hereditary Breast and Ovarian Cancer; Breast and ovarian cancer; Hereditary breast and ovarian cancer syndrome; Hereditary breast and/or ovarian cancer syndrome. Identifiers: Orphanet 145, MedGen C0677776, MeSH D061325, MONDO:0003582. Disease mechanism: loss of function.
Hereditary cancer-predisposing syndrome. Also called: Hereditary neoplastic syndrome; Tumor predisposition; Hereditary Cancer Syndrome; Neoplastic Syndromes, Hereditary. Identifiers: Orphanet 140162, MedGen C0027672, MeSH D009386, MONDO:0015356.

Submissions (4):

Labcorp Genetics (formerly Invitae), Labcorp
Classification: Uncertain significance for Hereditary breast ovarian cancer syndrome. Last evaluated: 2021-07-21. Review status: criteria provided, single submitter. Criteria: Invitae Variant Classification Sherloc (09022015). Collection method: clinical testing. Allele origin: germline.
Comment: This sequence change replaces serine with proline at codon 1790 of the BRCA1 protein (p.Ser1790Pro). The serine residue is highly conserved and there is a moderate physicochemical difference between serine and proline. This variant is not present in population databases (ExAC no frequency). This variant has not been reported in the literature in individuals affected with BRCA1-related conditions. ClinVar contains an entry for this variant (Variation ID: 630815). Advanced modeling of experimental studies (such as gene expression, population dynamics, functional pathways, and cell-cycle effects in cell culture) performed at Invitae indicates that this missense variant is not expected to disrupt BRCA1 protein function. Experimental studies have shown that this variant does not substantially affect BRCA1 protein function (PMID: 30209399). In summary, the available evidence is currently insufficient to determine the role of this variant in disease. Therefore, it has been classified as a Variant of Uncertain Significance.

Ambry Genetics
Classification: Uncertain significance for Hereditary cancer-predisposing syndrome. Last evaluated: 2020-03-24. Review status: criteria provided, single submitter. Criteria: Ambry Variant Classification Scheme 2023. Collection method: clinical testing. Allele origin: germline.
Comment: The p.S1790P variant (also known as c.5368T>C), located in coding exon 20 of the BRCA1 gene, results from a T to C substitution at nucleotide position 5368. The serine at codon 1790 is replaced by proline, an amino acid with similar properties. One functional study found that this nucleotide substitution has intact protein function in a high throughput genome editing haploid cell survival assay (Findlay GM et al. Nature, 2018 10;562:217-222). This amino acid position is well conserved in available vertebrate species. In addition, this alteration is predicted to be deleterious by in silico analysis. Since supporting evidence is limited at this time, the clinical significance of this alteration remains unclear.

Color Diagnostics, LLC DBA Color Health
Classification: Uncertain significance for Hereditary cancer-predisposing syndrome. Last evaluated: 2019-05-22. Review status: criteria provided, single submitter. Criteria: ACMG Guidelines, 2015. Collection method: clinical testing. Allele origin: germline.

Brotman Baty Institute, University of Washington
No classification provided (evidence only). Condition: Breast-ovarian cancer, familial 1. Review status: no classification provided. Collection method: in vitro. Allele origin: not applicable. Functional consequence: functionally_normal. Not counted in ClinVar's aggregate classification.
ClinVar note: "not provided" was previously submitted as the classification for the variant. However, the classification appeared to be based only on an observation of functional data so it was converted to no classification on 2025-07-30.

Literature cited by the submitters: PubMed 30209399 (cited by Labcorp Genetics (formerly Invitae), Labcorp and Ambry Genetics).